The following is an entry in ClinVar:

ClinVar aggregate classification (germline): Uncertain significance (1 of 4 stars; one submission).

Conditions:
Marfan syndrome (MFS). Also called: MARFAN SYNDROME, TYPE I; Marfan syndrome type 1; Marfan's syndrome; FBN1-Related Marfan Syndrome; Marfan syndrome, classic. Identifiers: Orphanet 284963, Orphanet 558, MedGen C0024796, MONDO:0007947, OMIM 154700.

Submission:

All of Us Research Program, National Institutes of Health
Classification: Uncertain significance for Marfan syndrome. Last evaluated: 2024-04-16. Review status: criteria provided, single submitter. Criteria: ACMG Guidelines, 2015. Collection method: clinical testing. Allele origin: germline. Inheritance: Autosomal dominant inheritance. Observed: 1 variant allele, 1 heterozygote.
Comment: This missense variant replaces glycine with cysteine at codon 501 of the FBN1 protein. Computational prediction is inconclusive regarding the impact of this variant on protein structure and function (internally defined REVEL score threshold 0.5 < inconclusive < 0.7, PMID: 27666373). To our knowledge, functional studies have not been reported for this variant. This variant has not been reported in individuals affected with FBN1-related disorders in the literature. This variant has not been identified in the general population by the Genome Aggregation Database (gnomAD). The available evidence is insufficient to determine the role of this variant in disease conclusively. Therefore, this variant is classified as a Variant of Uncertain Significance.

This study involves interpretation of variants in research participants for the purpose of population health screening. Participant phenotype was not available at the time of variant classification. Additional details can be found in publication PMID: 35346344, PMCID: PMC8962531

NM_000138.5(FBN1):c.1501G>T (p.Gly501Cys)

Gene: FBN1 (fibrillin 1; minus strand). Cytogenetic location: 15q21.1.
Variant type: single nucleotide variant.
Coding change: c.1501G>T on transcript NM_000138.5 (MANE Select); coding-DNA position 1501, G replaced by T.
Protein change: p.Gly501Cys; replaces glycine 501 with cysteine.
Molecular consequence: missense variant.
Genome position (GRCh38, 1-based): chr15:48,513,636, C>A on the plus strand (G>T on the coding strand, the complement: FBN1 is on the minus strand). VCF-style: chr15-48513636-C-A. GRCh37 (hg19) VCF-style: chr15-48805833-C-A.
Other names: c.1501G>T, p.Gly501Cys (NM_001406716.1); short protein forms G501C.
Identifiers: ClinVar variation 3386850 (VCV003386850.1).